The following is an entry in ClinVar:

NM_001034853.2(RPGR):c.1685_1686del (p.His562fs)

Gene: RPGR (retinitis pigmentosa GTPase regulator; minus strand). Cytogenetic location: Xp11.4.
Variant type: Deletion.
Coding change: c.1685_1686del on transcript NM_001034853.2 (MANE Select); coding-DNA positions 1685 to 1686, 2 bases deleted (AT; older notation c.1685_1686delAT).
Protein change: p.His562fs; shifts the reading frame from histidine 562.
Molecular consequence: frameshift variant. On other transcripts: non-coding transcript variant (1), intron variant (5).
Genome position (GRCh38, 1-based): chrX:38,287,928-38,287,929, AT deleted on the plus strand (AT on the coding strand, the reverse complement: RPGR is on the minus strand). VCF-style (leftmost placement, unchanged base first): chrX-38287927-CAT-C. GRCh37 (hg19) VCF-style: chrX-38147180-CAT-C.
Other names: NM_001034853.2(RPGR):c.1685_1686del; p.His562fs; c.1685_1686del, p.His562fs (NM_000328.3); c.1682_1683del, p.His561fs (NM_001367245.1); c.1499_1500del, p.His500fs (NM_001367246.1); c.1569+3030_1569+3031del (NM_001367249.1, NM_001367250.1); c.1386+3030_1386+3031del (NM_001367251.1); c.1572+3030_1572+3031del (NM_001367247.1); and 1 more; short protein forms H500fs, H561fs, H562fs.
Identifiers: ClinVar variation 866755 (VCV000866755.3), dbSNP rs2067217662, ClinGen allele CA916083918.

ClinVar aggregate classification (germline): Pathogenic. Review status: reviewed by expert panel (3 of 4 stars). 2 submissions from 2 submitters: Pathogenic (1). 1 of the submissions does not count toward it. Last evaluated 2025-08-03.

Conditions:
RPGR-related disorder. Also called: RPGR-related condition.
RPGR-related retinopathy. Also called: RPGR retinopathy. Identifiers: MedGen CN305589, MONDO:0100437.

Submissions (2):

ClinGen X-linked Inherited Retinal Disease Variant Curation Expert Panel, ClinGen
Classification: Pathogenic for RPGR-related retinopathy. Last evaluated: 2025-08-03. Review status: reviewed by expert panel. Criteria: ClinGen X LinkedIRD ACMG Specifications RPGR V1.0.0. Collection method: curation. Allele origin: germline. Inheritance: X-linked inheritance.
Comment: NM_001034853.2(RPGR):c.1685_1686del (p.His562ArgfsTer20) is a frameshift due to 2-nucleotide deletion in exon 14 of 15 that introduces a premature stop codon after 20 amino acids and is predicted to disrupt a critical C-terminal region required for proper glutamylation of RPGR (PVS1, PMID: 36445968). This variant is absent from gnomAD v4.1.0 (PM2_Supporting). The variant has been reported to segregate with retinal dystrophy through an affected mother and son from 1 family (PP1; PMID: 34745198). This variant has been reported in at least 3 apparently unrelated probands (PMID: 30105367, 34985506, 34745198). However, the number of individuals meeting one of the PS4 requirements of some functional vision impairment in affected males by age 30 years and/or decreased or absent electroretinogram responses was fewer than the requirement of at least 2 unrelated probands, so PS4_Supporting was not met. In summary, this variant is classified as pathogenic for RPGR-related retinopathy based on the ClinGen X-linked Inherited Retinal Disease Expert Panel Specifications to the ACMG/AMP Variant Interpretation Guidelines for RPGR Version 1.0.0; PVS1, PM2_Supporting, and PP1. (date of approval 05/16/2025).

Blueprint Genetics
Classification: Pathogenic for RPGR-related disorders. Last evaluated: 2019-12-04. Review status: criteria provided, single submitter. Criteria: ACMG Guidelines, 2015. Collection method: clinical testing. Allele origin: germline. Affected: yes. Observed: 3 variant alleles. Not counted in ClinVar's aggregate classification.